The following is an entry in ClinVar:

ClinVar aggregate classification (germline): Benign (1 of 4 stars; one submission).

Conditions:
Neuroblastoma (NB). Identifiers: Orphanet 635, MedGen C0027819, MeSH D009447, MONDO:0005072, HP:0003006.

Allele frequency attached by ClinVar (database versions not stated): TOPMed 0.00013; gnomAD 0.00014 and 0.00021; gnomAD exomes 0.00014; 1000 Genomes Project 30x 0.00062; 1000 Genomes Project 0.00080.
gnomAD v4.1: 37 of 183,006 alleles (0.02%); highest among the groups gnomAD compares: South Asian, 0.24%; no homozygotes.

Submission:

Illumina Laboratory Services, Illumina
Classification: Benign for Neuroblastoma. Last evaluated: 2018-01-12. Review status: criteria provided, single submitter. Criteria: ICSL Variant Classification Criteria 13 December 2019. Collection method: clinical testing. Allele origin: germline.
Comment: This variant was observed in the ICSL laboratory as part of a predisposition screen in an ostensibly healthy population. It had not been previously curated by ICSL or reported in the Human Gene Mutation Database (HGMD: prior to June 1st, 2018), and was therefore a candidate for classification through an automated scoring system. Utilizing variant allele frequency, disease prevalence and penetrance estimates, and inheritance mode, an automated score was calculated to assess if this variant is too frequent to cause the disease. Based on the score and internal cut-off values, a variant classified as benign is not then subjected to further curation. The score for this variant resulted in a classification of benign for this disease.

NM_001365951.3(KIF1B):c.*3988G>A

Gene: KIF1B (kinesin family member 1B; plus strand). Cytogenetic location: 1p36.22.
Variant type: single nucleotide variant.
Coding change: c.*3988G>A on transcript NM_001365951.3 (MANE Select); 3988 bases downstream of the stop codon, G replaced by A.
Molecular consequence: 3 prime UTR variant.
Genome position (GRCh38, 1-based): chr1:10,380,575, G>A. VCF-style: chr1-10380575-G-A. GRCh37 (hg19) VCF-style: chr1-10440633-G-A.
Other names: c.*3988G>A (NM_001365952.1, NM_015074.3).
Identifiers: ClinVar variation 291656 (VCV000291656.5), dbSNP rs571451087, ClinGen allele CA10607315.